The following is an entry in ClinVar:

ClinVar aggregate classification (germline): Uncertain significance (1 of 4 stars; one submission).

Conditions:
Developmental and epileptic encephalopathy, 1 (DEE1). Also called: OHTAHARA SYNDROME, X-LINKED; INFANTILE SPASM SYNDROME, X-LINKED 1; X-linked infantile spasms; West's syndrome; Tonic spasms with clustering, arrest of psychomotor development and hypsarrhythmia on EEG; X-Linked Infantile Spasm Syndrome. Identifiers: MedGen C3463992, MONDO:0010632, OMIM 308350. Disease mechanism: loss of function.
Intellectual disability, X-linked, with or without seizures, ARX-related. Also called: MENTAL RETARDATION, X-LINKED 29; MENTAL RETARDATION, X-LINKED 32; MENTAL RETARDATION, X-LINKED 33; MENTAL RETARDATION, X-LINKED 38; MENTAL RETARDATION, X-LINKED 43; MENTAL RETARDATION, X-LINKED 76. Identifiers: Orphanet 777, MedGen C0796244, MONDO:0010317, OMIM 300419.

Submission:

Labcorp Genetics (formerly Invitae), Labcorp
Classification: Uncertain significance for Developmental and epileptic encephalopathy, 1; Intellectual disability, X-linked, with or without seizures, ARX-related. Last evaluated: 2019-08-22. Review status: criteria provided, single submitter. Criteria: Invitae Variant Classification Sherloc (09022015). Collection method: clinical testing. Allele origin: germline.
Comment: This sequence change replaces alanine with valine at codon 150 of the ARX protein (p.Ala150Val). The alanine residue is weakly conserved and there is a small physicochemical difference between alanine and valine. The frequency data for this variant in the population databases is considered unreliable, as metrics indicate insufficient coverage at this position in the ExAC database. This variant has not been reported in the literature in individuals with ARX-related conditions. Algorithms developed to predict the effect of missense changes on protein structure and function output the following: SIFT: "Tolerated"; PolyPhen-2: "Not Available"; Align-GVGD: "Class C0". The valine amino acid residue is found in multiple mammalian species, suggesting that this missense change does not adversely affect protein function. These predictions have not been confirmed by published functional studies and their clinical significance is uncertain. In summary, the available evidence is currently insufficient to determine the role of this variant in disease. Therefore, it has been classified as a Variant of Uncertain Significance.

NM_139058.3(ARX):c.449C>T (p.Ala150Val)

Genes: ARX (aristaless related homeobox; minus strand), LOC109610631 (aristaless related homeobox polyalanine expansion region; plus strand). Cytogenetic location: Xp21.3.
Variant type: single nucleotide variant.
Coding change: c.449C>T on transcript NM_139058.3 (MANE Select); coding-DNA position 449, C replaced by T.
Protein change: p.Ala150Val; replaces alanine 150 with valine.
Molecular consequence: missense variant.
Genome position (GRCh38, 1-based): chrX:25,013,546, G>A on the plus strand (C>T on the coding strand, the complement: ARX is on the minus strand). VCF-style: chrX-25013546-G-A. GRCh37 (hg19) VCF-style: chrX-25031663-G-A.
Other names: short protein forms A150V.
Identifiers: ClinVar variation 955567 (VCV000955567.10), dbSNP rs2048712353, ClinGen allele CA412613162.